The following is an entry in ClinVar:

ClinVar aggregate classification (germline): Likely pathogenic (1 of 4 stars; one submission).

Conditions:
Aromatase deficiency. Also called: Increased aromatase activity; PSEUDOHERMAPHRODITISM, FEMALE, DUE TO PLACENTAL AROMATASE DEFICIENCY. Identifiers: Orphanet 91, MedGen C1960539, MONDO:0013301, OMIM 613546.

Submission:

Natera, Inc.
Classification: Likely pathogenic for Aromatase deficiency. Last evaluated: 2025-01-23. Review status: criteria provided, single submitter. Criteria: Natera Variant Classification Schema (03/2026). Collection method: clinical testing. Allele origin: germline.
Comment: The c.451+2T>C variant in CYP19A1 is a canonical splice donor site variant predicted to affect pre-mRNA splicing, which may result in an abnormal transcript and altered protein product. This variant is expected to result in nonsense mediated decay, truncation, or a dysfunctional protein product. This variant is rare in the general population with a frequency below the threshold expected for the associated phenotype(s). Given the available evidence, this variant is classified as Likely Pathogenic.

NM_000103.4(CYP19A1):c.451+2T>C

Genes: CYP19A1 (cytochrome P450 family 19 subfamily A member 1; minus strand), MIR4713HG (MIR4713 host gene; plus strand), PIRC66 (piwi-interacting RNA cluster 66; plus strand). Cytogenetic location: 15q21.2.
Variant type: single nucleotide variant.
Coding change: c.451+2T>C on transcript NM_000103.4 (MANE Select); the canonical splice donor site of the intron after coding-DNA position 451, T replaced by C.
Molecular consequence: splice donor variant.
Genome position (GRCh38, 1-based): chr15:51,227,777, A>G on the plus strand (T>C on the coding strand, the complement: CYP19A1 is on the minus strand). VCF-style: chr15-51227777-A-G. GRCh37 (hg19) VCF-style: chr15-51519974-A-G.
Other names: c.451+2T>C (NM_031226.3, NM_001347248.1, NM_001347249.2 and 7 more transcripts).
Identifiers: ClinVar variation 4065721 (VCV004065721.2).
Genomic context (GRCh38, chr15:51,227,777, plus strand): 5'-TGATTTCAAAAAAGGCACATTCATAGACAAAAAAGATTGTAGCTAACTAAGTACCTGCTT[A>G]CCTTTCATAAAGAAGGGTCGAGTTGTTTTCCAGAGCTCTGGATTGTTGTTAAATATGATG-3'